The following is an entry in ClinVar:

NM_018129.4(PNPO):c.154C>T (p.His52Tyr)

Gene: PNPO (pyridoxamine 5'-phosphate oxidase; plus strand). Cytogenetic location: 17q21.32.
Variant type: single nucleotide variant.
Coding change: c.154C>T on transcript NM_018129.4 (MANE Select); coding-DNA position 154, C replaced by T.
Protein change: p.His52Tyr; replaces histidine 52 with tyrosine.
Molecular consequence: missense variant.
Genome position (GRCh38, 1-based): chr17:47,943,321, C>T. VCF-style: chr17-47943321-C-T. GRCh37 (hg19) VCF-style: chr17-46020687-C-T.
Other names: short protein forms H52Y.
Identifiers: ClinVar variation 2053535 (VCV002053535.1), dbSNP rs765350767, ClinGen allele CA8629117.
Genomic context (GRCh38, chr17:47,943,321, plus strand): 5'-AAGCACTATATATGTTTATTAAATGAAATAAATCTCCTTTCCTAGGCATTTGAGGAGACT[C>T]ATCTGACCTCCCTTGACCCAGTGAAACAGTTTGCTGCCTGGTTTGAGGAGGCTGTTCAGT-3'
Protein context (NP_060599.1, residues 42-62): RGDREAFEET[His52Tyr]LTSLDPVKQF

ClinVar aggregate classification (germline): Uncertain significance (1 of 4 stars; one submission).

Conditions:
Pyridoxal phosphate-responsive seizures (PNPOD). Also called: EPILEPTIC ENCEPHALOPATHY, NEONATAL, PNPO-RELATED; SEIZURES, PYRIDOXINE-RESISTANT, PLP-SENSITIVE; Pyridoxamine 5-Prime-Phosphate Oxidase Deficiency; Pyridoxine-5'-phosphate oxidase deficiency; Pyridoxal 5'-Phosphate (PLP)-Dependent Epilepsy. Identifiers: Orphanet 79096, MedGen C1864723, MONDO:0012407, OMIM 610090. Disease mechanism: loss of function.

Allele frequency attached by ClinVar (database versions not stated): gnomAD exomes below 0.00001; ExAC 0.00001.
gnomAD v4.1: 3 of 1,613,692 alleles (0.00019%); highest among the groups gnomAD compares: South Asian, 0.0011%; no homozygotes.

Submission:

Labcorp Genetics (formerly Invitae), Labcorp
Classification: Uncertain significance for Pyridoxal phosphate-responsive seizures. Last evaluated: 2022-06-04. Review status: criteria provided, single submitter. Criteria: Invitae Variant Classification Sherloc (09022015). Collection method: clinical testing. Allele origin: germline.
Comment: This sequence change replaces histidine, which is basic and polar, with tyrosine, which is neutral and polar, at codon 52 of the PNPO protein (p.His52Tyr). This variant is present in population databases (rs765350767, gnomAD 0.0009%). This variant has not been reported in the literature in individuals affected with PNPO-related conditions. Algorithms developed to predict the effect of missense changes on protein structure and function (SIFT, PolyPhen-2, Align-GVGD) all suggest that this variant is likely to be tolerated. In summary, the available evidence is currently insufficient to determine the role of this variant in disease. Therefore, it has been classified as a Variant of Uncertain Significance.